The following is an entry in ClinVar:

NM_053025.4(MYLK):c.4568dup (p.Cys1524fs)

Gene: MYLK (myosin light chain kinase; minus strand). Cytogenetic location: 3q21.1.
Variant type: Duplication.
Coding change: c.4568dup on transcript NM_053025.4 (MANE Select); coding-DNA position 4568, one base duplicated (A; older notation c.4568dupA).
Protein change: p.Cys1524fs; shifts the reading frame from cysteine 1524.
Molecular consequence: frameshift variant.
Genome position (GRCh38, 1-based): chr3:123,647,275, T duplicated on the plus strand (A on the coding strand, the reverse complement: MYLK is on the minus strand). VCF-style (leftmost placement, unchanged base first): chr3-123647274-C-CT. GRCh37 (hg19) VCF-style: chr3-123366121-C-CT.
Other names: c.4040dup, p.Cys1348fs (NM_001321309.2); c.4361dup, p.Cys1455fs (NM_053026.4, NM_053028.4); c.4568dup, p.Cys1524fs (NM_053027.4); short protein forms C1348fs, C1455fs, C1524fs.
Identifiers: ClinVar variation 4713297 (VCV004713297.1).

ClinVar aggregate classification (germline): Pathogenic (1 of 4 stars; one submission).

Conditions:
Aortic aneurysm, familial thoracic 7 (AAT7). Also called: AORTIC DISSECTION, FAMILIAL, WITH OR WITHOUT AORTIC ANEURYSM. Identifiers: MedGen C3151077, MONDO:0013418, OMIM 613780.

Submission:

Labcorp Genetics (formerly Invitae), Labcorp
Classification: Pathogenic for Aortic aneurysm, familial thoracic 7. Last evaluated: 2025-02-23. Review status: criteria provided, single submitter. Criteria: Invitae Variant Classification Sherloc (09022015). Collection method: clinical testing. Allele origin: germline.
Comment: This sequence change creates a premature translational stop signal (p.Cys1524Valfs*6) in the MYLK gene. This variant occurs within the aortic-specific isoform of MYLK. Loss-of-function variants in the aortic-specific isoform of MYLK are known to be pathogenic for thoracic aortic dissections (PMID: 21055718). This variant is not present in population databases (gnomAD no frequency). This variant has not been reported in the literature in individuals affected with MYLK-related conditions. For these reasons, this variant has been classified as Pathogenic.

Literature cited by the submitters: PubMed 21055718.